The following is an entry in ClinVar:

NM_006208.3(ENPP1):c.2330A>G (p.His777Arg)

Gene: ENPP1 (ectonucleotide pyrophosphatase/phosphodiesterase 1; plus strand). Cytogenetic location: 6q23.2.
Variant type: single nucleotide variant.
Coding change: c.2330A>G on transcript NM_006208.3 (MANE Select); coding-DNA position 2330, A replaced by G.
Protein change: p.His777Arg; replaces histidine 777 with arginine.
Molecular consequence: missense variant.
Genome position (GRCh38, 1-based): chr6:131,884,949, A>G. VCF-style: chr6-131884949-A-G. GRCh37 (hg19) VCF-style: chr6-132206089-A-G.
Other names: short protein forms H777R.
Identifiers: ClinVar variation 561005 (VCV000561005.16), dbSNP rs147346173, ClinGen allele CA4002507.

ClinVar aggregate classification (germline): Conflicting classifications of pathogenicity. Review status: criteria provided, conflicting classifications (1 of 4 stars). 7 submissions from 7 submitters: Likely pathogenic (1); Uncertain significance (6). Last evaluated 2026-03-09.

Conditions:
Hypophosphatemic rickets, autosomal recessive, 2 (ARHR2). Identifiers: Orphanet 289176, MedGen C2750078, MONDO:0013219, OMIM 613312.
Hypopigmentation-punctate palmoplantar keratoderma syndrome. Also called: Cole disease; GUTTATE HYPOPIGMENTATION AND PUNCTATE PALMOPLANTAR KERATODERMA WITH OR WITHOUT ECTOPIC CALCIFICATION. Identifiers: Orphanet 324561, MedGen C3809781, MONDO:0014227, OMIM 615522.
Arterial calcification, generalized, of infancy, 1 (GACI1). Also called: Idiopathic Infantile Arterial Calcification. Identifiers: Orphanet 51608, MedGen C4551985, MONDO:0008817, OMIM 208000.
Inherited obesity. Also called: Monogenic Obesity. Identifiers: Orphanet 77828, MedGen C4054476, MONDO:0019182, OMIM 601665.
Type 2 diabetes mellitus. Also called: Type II diabetes mellitus. Identifiers: MedGen C0011860, MeSH D003924, MONDO:0005148, OMIM 125853, HP:0005978.
ENPP1-related disorder. Also called: ENPP1-related disorders; ENPP1-related condition.
Inborn genetic diseases. Identifiers: MedGen C0950123, MeSH D030342.

Allele frequency attached by ClinVar (database versions not stated): gnomAD exomes 0.00012 and 0.00024; ExAC 0.00013; 1000 Genomes Project 30x 0.00016; 1000 Genomes Project 0.00020; TOPMed 0.00023; gnomAD 0.00027 and 0.00028; ESP Exome Variant Server 0.00046.
gnomAD v4.1: 389 of 1,614,142 alleles (0.024%); highest among the groups gnomAD compares: Non-Finnish European, 0.031%; no homozygotes.

Submissions (7):

Women's Health and Genetics/Laboratory Corporation of America, LabCorp
Classification: Uncertain significance. Last evaluated: 2026-03-09. Review status: criteria provided, single submitter. Criteria: LabCorp Variant Classification Summary - May 2015. Collection method: clinical testing. Allele origin: germline.
Comment: Variant summary: ENPP1 c.2330A>G (p.His777Arg) results in a non-conservative amino acid change located in the DNA/RNA non-specific endonuclease domain (IPR001604) of the encoded protein sequence. Algorithms developed to predict the effect of missense changes on protein structure and function are either unavailable or do not agree on the potential impact of this missense change. The variant allele was found at a frequency of 0.00012 in 251424 control chromosomes. This frequency is not significantly higher than estimated for disease-causing variants in ENPP1, allowing no conclusion about variant significance. c.2330A>G has been observed in a homozygous individual affected with generalized arterial calcification of infancy (Rutsch_ 2008) and a compound heterozygous (Ferreira_ 2021) GACI survivor. However, the homozygous case was reported with a splice site variant in cis in one of the alleles, suggesting that this variant may be causal only when combined with a null variant. It has also been reported in heterozygous state in two individuals affected with early onset osteoporosis (Oheim_2020) and ectopic mineralization (Saeidian_2022). At least one publication reports experimental evidence evaluating an impact on protein function. The most pronounced variant effect results in 30%-50% of normal activity (Stella_ 2016). The following publications have been ascertained in the context of this evaluation (PMID: 33005041, 35276006, 20016754, 34906475, 27467858). ClinVar contains an entry for this variant (Variation ID: 561005). Based on the evidence outlined above, the variant was classified as VUS-possibly pathogenic.

Labcorp Genetics (formerly Invitae), Labcorp
Classification: Uncertain significance. Last evaluated: 2025-12-20. Review status: criteria provided, single submitter. Criteria: Invitae Variant Classification Sherloc (09022015). Collection method: clinical testing. Allele origin: germline.
Comment: This sequence change replaces histidine, which is basic and polar, with arginine, which is basic and polar, at codon 777 of the ENPP1 protein (p.His777Arg). This variant is present in population databases (rs147346173, gnomAD 0.03%). This missense change has been observed in individual(s) with clinical features of ENPP1-related conditions (PMID: 20016754, 31805212, 33005041, 34906475). ClinVar contains an entry for this variant (Variation ID: 561005). Invitae Evidence Modeling of protein sequence and biophysical properties (such as structural, functional, and spatial information, amino acid conservation, physicochemical variation, residue mobility, and thermodynamic stability) indicates that this missense variant is expected to disrupt ENPP1 protein function with a positive predictive value of 80%. Experimental studies have shown that this missense change affects ENPP1 function (PMID: 27467858, 31805212). In summary, the available evidence is currently insufficient to determine the role of this variant in disease. Therefore, it has been classified as a Variant of Uncertain Significance.

Blueprint Genetics
Classification: Likely pathogenic for ENPP1-related disorders. Last evaluated: 2024-11-14. Review status: criteria provided, single submitter. Criteria: ACMG Guidelines, 2015. Collection method: clinical testing. Allele origin: germline. Affected: yes. Observed: 5 variant alleles.

Ambry Genetics
Classification: Uncertain significance for Inborn genetic diseases. Last evaluated: 2024-05-03. Review status: criteria provided, single submitter. Criteria: Ambry Variant Classification Scheme 2023. Collection method: clinical testing. Allele origin: germline.

Fulgent Genetics
Classification: Uncertain significance for Type 2 diabetes mellitus; Arterial calcification, generalized, of infancy, 1; Inherited obesity; Hypophosphatemic rickets, autosomal recessive, 2; Hypopigmentation-punctate palmoplantar keratoderma syndrome. Last evaluated: 2024-01-05. Review status: criteria provided, single submitter. Criteria: ACMG Guidelines, 2015. Collection method: clinical testing. Allele origin: germline.

Department of Pathology and Laboratory Medicine, Sinai Health System
Classification: Uncertain significance for Type 2 diabetes mellitus; Arterial calcification, generalized, of infancy, 1; Inherited obesity; Hypophosphatemic rickets, autosomal recessive, 2; Hypopigmentation-punctate palmoplantar keratoderma syndrome. Last evaluated: 2021-07-30. Review status: criteria provided, single submitter. Criteria: ACMG Guidelines, 2015. Collection method: research. Allele origin: germline.

Baylor Genetics
Classification: Uncertain significance for Arterial calcification, generalized, of infancy, 1. Last evaluated: 2017-09-01. Review status: criteria provided, single submitter. Criteria: ACMG Guidelines, 2015. Collection method: clinical testing. Allele origin: maternal. Inheritance: Autosomal recessive inheritance. Affected: yes.

Literature cited by the submitters: PubMed 35276006 (cited by Women's Health and Genetics/Laboratory Corporation of America, LabCorp); PubMed 34906475 (cited by Women's Health and Genetics/Laboratory Corporation of America, LabCorp and Labcorp Genetics (formerly Invitae), Labcorp); PubMed 33005041 (cited by 3 submitters); PubMed 20016754 (cited by 4 submitters); PubMed 27467858 (cited by Women's Health and Genetics/Laboratory Corporation of America, LabCorp and Labcorp Genetics (formerly Invitae), Labcorp); PubMed 31805212 (cited by Labcorp Genetics (formerly Invitae), Labcorp); PubMed 23027977 (cited by Ambry Genetics); PubMed 23041369 (cited by Ambry Genetics); PubMed 27467859 (cited by Ambry Genetics); PubMed 25326635 (cited by Baylor Genetics).